The following is an entry in ClinVar:

ClinVar aggregate classification (germline): Conflicting classifications of pathogenicity. Review status: criteria provided, conflicting classifications (1 of 4 stars). 5 submissions from 5 submitters: Pathogenic (1); Likely pathogenic (2); Uncertain significance (2). Last evaluated 2025-11-28.

Conditions:
Autosomal recessive nonsyndromic hearing loss 3. Also called: NEUROSENSORY NONSYNDROMIC RECESSIVE DEAFNESS 3. Identifiers: Orphanet 90636, MedGen C1838263, MONDO:0010860, OMIM 600316.
MYO15A-related disorder. Also called: MYO15A-related condition.

gnomAD v4.1: 194 of 1,613,830 alleles (0.012%); highest among the groups gnomAD compares: Admixed American, 0.017%; no homozygotes.

Submissions (5):

Women's Health and Genetics/Laboratory Corporation of America, LabCorp
Classification: Uncertain significance. Last evaluated: 2025-11-28. Review status: criteria provided, single submitter. Criteria: LabCorp Variant Classification Summary - May 2015. Collection method: clinical testing. Allele origin: germline.
Comment: Variant summary: MYO15A c.4660G>A (p.Ala1554Thr) results in a non-conservative amino acid change in the encoded protein sequence. Algorithms developed to predict the effect of missense changes on protein structure and function all suggest that this variant is likely to be disruptive. The variant allele was found at a frequency of 7.2e-05 in 249218 control chromosomes (gnomAD). This frequency is not significantly higher than estimated for disease-causing variants in MYO15A, allowing no conclusion about variant significance. c.4660G>A has been observed in an individual affected with Autosomal Recessive Nonsyndromic Hearing Loss 3 (Sakuma_2016). These data do not allow any conclusion about variant significance. To our knowledge, no experimental evidence demonstrating an impact on protein function has been reported. The following publication has been ascertained in the context of this evaluation (PMID: 26763877). ClinVar contains an entry for this variant (Variation ID: 3338040). Based on the evidence outlined above, the variant was classified as uncertain significance.

PreventionGenetics, part of Exact Sciences
Classification: Uncertain significance for MYO15A-related condition. Last evaluated: 2025-05-29. Review status: criteria provided, single submitter. Criteria: ACMG Guidelines, 2015. Collection method: clinical testing. Allele origin: germline.
Comment: The MYO15A c.4660G>A variant is predicted to result in the amino acid substitution p.Ala1554Thr. This variant has been reported in the compound heterozygous state along with a premature termination variant in a patient with sensorineural hearing loss (Sakuma et al 2016. PubMed ID: 26763877). This variant is reported in 0.014% of alleles in individuals of Latino descent in gnomAD. Although we suspect that this variant may be pathogenic, at this time, the clinical significance of this variant is uncertain due to the absence of conclusive functional and genetic evidence.

First Genomix Gene Laboratory, Genetic Diagnostics Department
Classification: Likely pathogenic for Autosomal recessive nonsyndromic hearing loss 3. Last evaluated: 2025-01-11. Review status: criteria provided, single submitter. Criteria: ACMG Guidelines, 2015. Collection method: clinical testing. Allele origin: germline. Inheritance: Autosomal recessive inheritance. Affected: no. Observed: 1 variant allele.

Blueprint Genetics
Classification: Likely pathogenic for MYO15A-related disorders. Last evaluated: 2024-11-26. Review status: criteria provided, single submitter. Criteria: ACMG Guidelines, 2015. Collection method: clinical testing. Allele origin: germline. Affected: yes. Observed: 5 variant alleles.

Laboratory of Prof. Karen Avraham, Tel Aviv University
Classification: Pathogenic for Autosomal recessive nonsyndromic hearing loss 3. Last evaluated: 2024-08-20. Review status: criteria provided, single submitter. Criteria: ACMG Guidelines, 2015. Collection method: research. Allele origin: germline. Affected: yes. Observed: 1 variant allele.
Comment: A recessive variant, pathogenic by Deafness Variation Database based on PMID: 26763877.

DFNB3

Literature cited by the submitters: PubMed 26763877 (cited by Women's Health and Genetics/Laboratory Corporation of America, LabCorp).

NM_016239.4(MYO15A):c.4660G>A (p.Ala1554Thr)

Gene: MYO15A (myosin XVA; plus strand). Cytogenetic location: 17p11.2.
Variant type: single nucleotide variant.
Coding change: c.4660G>A on transcript NM_016239.4 (MANE Select); coding-DNA position 4660, G replaced by A.
Protein change: p.Ala1554Thr; replaces alanine 1554 with threonine.
Molecular consequence: missense variant.
Genome position (GRCh38, 1-based): chr17:18,136,567, G>A. VCF-style: chr17-18136567-G-A. GRCh37 (hg19) VCF-style: chr17-18039881-G-A.
Other names: short protein forms A1554T.
Identifiers: ClinVar variation 3338040 (VCV003338040.5).